The following is an entry in ClinVar:

ClinVar aggregate classification (germline): Likely benign. Review status: criteria provided, multiple submitters, no conflicts (2 of 4 stars). 2 submissions from 2 submitters: Likely benign (2). Last evaluated 2025-08-27.

Conditions:
Hereditary cancer-predisposing syndrome. Also called: Tumor predisposition; Hereditary neoplastic syndrome; Hereditary Cancer Syndrome; Neoplastic Syndromes, Hereditary. Identifiers: Orphanet 140162, MedGen C0027672, MeSH D009386, MONDO:0015356.
EPCAM-related disorder. Also called: EPCAM-related condition.

gnomAD v4.1: 9 of 1,612,382 alleles (0.00056%); highest among the groups gnomAD compares: Non-Finnish European, 0.00076%; no homozygotes.

Submissions (2):

PreventionGenetics, part of Exact Sciences
Classification: Likely benign for EPCAM-related condition. Last evaluated: 2025-08-27. Review status: criteria provided, single submitter. Criteria: ACMG Guidelines, 2015. Collection method: clinical testing. Allele origin: germline.
Comment: This variant is classified as likely benign based on ACMG/AMP sequence variant interpretation guidelines (Richards et al. 2015 PMID: 25741868, with internal and published modifications).

Ambry Genetics
Classification: Likely benign for Hereditary cancer-predisposing syndrome. Last evaluated: 2022-08-17. Review status: criteria provided, single submitter. Criteria: Ambry Variant Classification Scheme 2023. Collection method: clinical testing. Allele origin: germline.

NM_002354.3(EPCAM):c.846A>T (p.Gly282=)

Gene: EPCAM (epithelial cell adhesion molecule; plus strand). Cytogenetic location: 2p21.
Variant type: single nucleotide variant.
Coding change: c.846A>T on transcript NM_002354.3 (MANE Select); coding-DNA position 846, A replaced by T.
Protein change: p.Gly282=; no amino-acid change (glycine 282 retained).
Molecular consequence: synonymous variant.
Genome position (GRCh38, 1-based): chr2:47,379,957, A>T. VCF-style: chr2-47379957-A-T. GRCh37 (hg19) VCF-style: chr2-47607096-A-T.
Identifiers: ClinVar variation 1763484 (VCV001763484.3), dbSNP rs758439465, ClinGen allele CA1649166.